The following is an entry in ClinVar:

ClinVar aggregate classification (germline): Uncertain significance. Review status: criteria provided, multiple submitters, no conflicts (2 of 4 stars). 3 submissions from 3 submitters: Uncertain significance (2). 1 of the submissions does not count toward it. Last evaluated 2023-09-29.

Conditions:
Usher syndrome type 1 (USH1). Also called: RETINITIS PIGMENTOSA AND CONGENITAL DEAFNESS. Identifiers: Orphanet 231169, Orphanet 886, MedGen C1568247, MONDO:0010168, OMIM 276900.

Allele frequency attached by ClinVar (database versions not stated): gnomAD 0.00001; gnomAD exomes 0.00001; TOPMed 0.00001; ExAC 0.00002.
gnomAD v4.1: 13 of 1,613,872 alleles (0.00081%); highest among the groups gnomAD compares: South Asian, 0.0055%; no homozygotes.

Submissions (3):

Labcorp Genetics (formerly Invitae), Labcorp
Classification: Uncertain significance. Last evaluated: 2023-09-29. Review status: criteria provided, single submitter. Criteria: Invitae Variant Classification Sherloc (09022015). Collection method: clinical testing. Allele origin: germline.
Comment: In summary, the available evidence is currently insufficient to determine the role of this variant in disease. Therefore, it has been classified as a Variant of Uncertain Significance. Advanced modeling of protein sequence and biophysical properties (such as structural, functional, and spatial information, amino acid conservation, physicochemical variation, residue mobility, and thermodynamic stability) performed at Invitae indicates that this missense variant is not expected to disrupt CDH23 protein function. ClinVar contains an entry for this variant (Variation ID: 848051). This variant has not been reported in the literature in individuals affected with CDH23-related conditions. This variant is present in population databases (rs747028795, gnomAD 0.003%). This sequence change replaces valine, which is neutral and non-polar, with methionine, which is neutral and non-polar, at codon 1055 of the CDH23 protein (p.Val1055Met).

Blueprint Genetics
Classification: Uncertain significance. Last evaluated: 2023-09-14. Review status: criteria provided, single submitter. Criteria: ACMG Guidelines, 2015. Collection method: clinical testing. Allele origin: germline.

Natera, Inc.
Classification: Uncertain significance for Usher syndrome type 1. Last evaluated: 2020-10-21. Review status: no assertion criteria provided. Collection method: clinical testing. Allele origin: germline. Not counted in ClinVar's aggregate classification.

NM_022124.6(CDH23):c.3163G>A (p.Val1055Met)

Gene: CDH23 (cadherin related 23; plus strand). Cytogenetic location: 10q22.1.
Variant type: single nucleotide variant.
Coding change: c.3163G>A on transcript NM_022124.6 (MANE Select); coding-DNA position 3163, G replaced by A.
Protein change: p.Val1055Met; replaces valine 1055 with methionine.
Molecular consequence: missense variant.
Genome position (GRCh38, 1-based): chr10:71,709,154, G>A. VCF-style: chr10-71709154-G-A. GRCh37 (hg19) VCF-style: chr10-73468911-G-A.
Other names: c.3163G>A, p.Val1055Met (NM_001171930.2); short protein forms V1055M.
Identifiers: ClinVar variation 848051 (VCV000848051.7), dbSNP rs747028795, ClinGen allele CA5544499.